The following is an entry in ClinVar:

NM_004204.5(PIGQ):c.721G>A (p.Gly241Arg)

Gene: PIGQ (phosphatidylinositol glycan anchor biosynthesis class Q; plus strand). Cytogenetic location: 16p13.3.
Variant type: single nucleotide variant.
Coding change: c.721G>A on transcript NM_004204.5 (MANE Select); coding-DNA position 721, G replaced by A.
Protein change: p.Gly241Arg; replaces glycine 241 with arginine.
Molecular consequence: missense variant.
Genome position (GRCh38, 1-based): chr16:575,870, G>A. VCF-style: chr16-575870-G-A. GRCh37 (hg19) VCF-style: chr16-625870-G-A.
Other names: c.721G>A, p.Gly241Arg (NM_148920.4); short protein forms G241R.
Identifiers: ClinVar variation 640622 (VCV000640622.5), dbSNP rs959172804, ClinGen allele CA276483003.
Genomic context (GRCh38, chr16:575,870, plus strand): 5'-ACACATCACTCCTCTCCACTCCCACGCAGAGTGTTCAAGCTCTGGCCCCTGTCCTTCCTC[G>A]GGAGCAAACTCTCCACGTGCGAACAGCTCCGGCACCGGCTGGAGCACCTCACGCTAATCT-3'
Protein context (NP_004195.2, residues 231-251): VFKLWPLSFL[Gly241Arg]SKLSTCEQLR

ClinVar aggregate classification (germline): Uncertain significance (1 of 4 stars; one submission).

Conditions:
Epilepsy. Also called: Seizure disorder. Identifiers: MedGen C0014544, MeSH D004827, MONDO:0005027.

Allele frequency attached by ClinVar (database versions not stated): gnomAD 0.00001 and 0.00002; gnomAD exomes 0.00001; TOPMed 0.00002.

Submission:

Labcorp Genetics (formerly Invitae), Labcorp
Classification: Uncertain significance for Epilepsy. Last evaluated: 2025-04-10. Review status: criteria provided, single submitter. Criteria: Invitae Variant Classification Sherloc (09022015). Collection method: clinical testing. Allele origin: germline.
Comment: This sequence change replaces glycine, which is neutral and non-polar, with arginine, which is basic and polar, at codon 241 of the PIGQ protein (p.Gly241Arg). The frequency data for this variant in the population databases is considered unreliable, as metrics indicate poor data quality at this position in the gnomAD database. This variant has not been reported in the literature in individuals affected with PIGQ-related conditions. ClinVar contains an entry for this variant (Variation ID: 640622). An algorithm developed to predict the effect of missense changes on protein structure and function outputs the following: PolyPhen-2: "Benign". The arginine amino acid residue is found in multiple mammalian species, which suggests that this missense change does not adversely affect protein function. Algorithms developed to predict the effect of sequence changes on RNA splicing suggest that this variant may disrupt the consensus splice site. In summary, the available evidence is currently insufficient to determine the role of this variant in disease. Therefore, it has been classified as a Variant of Uncertain Significance.